The following is an entry in ClinVar:

ClinVar aggregate classification (germline): Uncertain significance. Review status: criteria provided, multiple submitters, no conflicts (2 of 4 stars). 2 submissions from 2 submitters: Uncertain significance (2). Last evaluated 2025-05-11.

Conditions:
KBG syndrome (KBGS). Also called: ANKRD11-Related KBG Syndrome. Identifiers: Orphanet 2332, MedGen C0220687, MONDO:0007846, OMIM 148050.

Submissions (2):

Labcorp Genetics (formerly Invitae), Labcorp
Classification: Uncertain significance for KBG syndrome. Last evaluated: 2025-05-11. Review status: criteria provided, single submitter. Criteria: Invitae Variant Classification Sherloc (09022015). Collection method: clinical testing. Allele origin: germline.
Comment: This variant, c.3034_3036del, results in the deletion of 1 amino acid(s) of the ANKRD11 protein (p.Lys1012del), but otherwise preserves the integrity of the reading frame. This variant is present in population databases (rs761762028, gnomAD 0.03%). This variant has not been reported in the literature in individuals affected with ANKRD11-related conditions. ClinVar contains an entry for this variant (Variation ID: 2442721). Experimental studies and prediction algorithms are not available or were not evaluated, and the functional significance of this variant is currently unknown. In summary, the available evidence is currently insufficient to determine the role of this variant in disease. Therefore, it has been classified as a Variant of Uncertain Significance.

GeneDx
Classification: Uncertain significance. Last evaluated: 2022-09-06. Review status: criteria provided, single submitter. Criteria: GeneDx Variant Classification Process June 2021. Collection method: clinical testing. Allele origin: germline. Affected: yes.
Comment: In-frame deletion of 1 amino acid in a non-repeat region; In silico analysis supports a deleterious effect on protein structure/function; Has not been previously published as pathogenic or benign to our knowledge

NM_013275.6(ANKRD11):c.3031AAG[1] (p.Lys1012del)

Gene: ANKRD11 (ankyrin repeat domain 11; minus strand). Cytogenetic location: 16q24.3.
Variant type: Microsatellite.
Coding change: c.3031AAG[1] on transcript NM_013275.6 (MANE Select); one copy of the 3-base unit AAG starting at c.3031; the reference has two copies in a row; one copy, 3 bases deleted.
Protein change: p.Lys1012del; deletes lysine 1012.
Molecular consequence: inframe deletion.
Genome position (GRCh38, 1-based): chr16:89,283,506-89,283,508, CTT deleted on the plus strand (AAG on the coding strand, the reverse complement: ANKRD11 is on the minus strand); deleting any 3 consecutive bases within chr16:89,283,506-89,283,513 gives the same sequence; the position shown is the placement nearest the transcript's 3' end. VCF-style (leftmost placement, unchanged base first): chr16-89283505-CCTT-C. GRCh37 (hg19) VCF-style: chr16-89349913-CCTT-C.
Other names: c.3031AAG[1], p.Lys1012del (NM_001256182.2, NM_001256183.2); short protein forms K1012del.
Identifiers: ClinVar variation 2442721 (VCV002442721.2), dbSNP rs761762028, ClinGen allele CA8242442.